The following is an entry in ClinVar:

ClinVar aggregate classification (germline): Pathogenic (1 of 4 stars; one submission).

Conditions:
Hereditary cancer-predisposing syndrome. Also called: Neoplastic Syndromes, Hereditary; Tumor predisposition; Hereditary neoplastic syndrome; Hereditary Cancer Syndrome. Identifiers: Orphanet 140162, MedGen C0027672, MeSH D009386, MONDO:0015356.

Submission:

Ambry Genetics
Classification: Pathogenic for Hereditary cancer-predisposing syndrome. Last evaluated: 2026-06-15. Review status: criteria provided, single submitter. Criteria: Ambry Variant Classification Scheme 2023. Collection method: clinical testing. Allele origin: germline.
Comment: The c.2253_2254delCGinsA pathogenic mutation, located in coding exon 14 of the CDH1 gene, results from the deletion of two nucleotides and insertion of one nucleotide causing a translational frameshift with a predicted alternate stop codon (p.N751Kfs*19). This variant is considered to be rare based on population cohorts in the Genome Aggregation Database (gnomAD). This alteration is expected to result in loss of function by premature protein truncation or nonsense-mediated mRNA decay. As such, this alteration is interpreted as a disease-causing mutation.

NM_004360.5(CDH1):c.2253_2254delinsA (p.Asn751fs)

Gene: CDH1 (cadherin 1; plus strand). Cytogenetic location: 16q22.1.
Variant type: Indel.
Coding change: c.2253_2254delinsA on transcript NM_004360.5 (MANE Select); coding-DNA positions 2253 to 2254, CG replaced by A.
Protein change: p.Asn751fs; shifts the reading frame from asparagine 751.
Molecular consequence: frameshift variant.
Genome position (GRCh38, 1-based): chr16:68,828,262-68,828,263, CG replaced by A. VCF-style: chr16-68828262-CG-A. GRCh37 (hg19) VCF-style: chr16-68862165-CG-A.
Other names: c.2070_2071delinsA, p.Asn690fs (NM_001317184.2); c.705_706delinsA, p.Asn235fs (NM_001317185.2); c.288_289delinsA, p.Asn96fs (NM_001317186.2); short protein forms N690fs, N96fs, N751fs, N235fs.
Identifiers: ClinVar variation 5033868 (VCV005033868.1).